The following is an entry in ClinVar:

NM_001040108.2(MLH3):c.196G>A (p.Val66Ile)

Gene: MLH3 (mutL homolog 3; minus strand). Cytogenetic location: 14q24.3.
Variant type: single nucleotide variant.
Coding change: c.196G>A on transcript NM_001040108.2 (MANE Select); coding-DNA position 196, G replaced by A.
Protein change: p.Val66Ile; replaces valine 66 with isoleucine.
Molecular consequence: missense variant.
Genome position (GRCh38, 1-based): chr14:75,049,460, C>T on the plus strand (G>A on the coding strand, the complement: MLH3 is on the minus strand). VCF-style: chr14-75049460-C-T. GRCh37 (hg19) VCF-style: chr14-75516163-C-T.
Other names: c.196G>A, p.Val66Ile (NM_014381.3); short protein forms V66I.
Identifiers: ClinVar variation 1502411 (VCV001502411.8), dbSNP rs2139611483, ClinGen allele CA390451371.

ClinVar aggregate classification (germline): Uncertain significance. Review status: criteria provided, multiple submitters, no conflicts (2 of 4 stars). 2 submissions from 2 submitters: Uncertain significance (2). Last evaluated 2021-11-08.

Conditions:
Colorectal cancer, hereditary nonpolyposis, type 7. Identifiers: Orphanet 144, MedGen C1858380, MONDO:0013725, OMIM 614385.

Submissions (2):

Labcorp Genetics (formerly Invitae), Labcorp
Classification: Uncertain significance for Colorectal cancer, hereditary nonpolyposis, type 7. Last evaluated: 2021-11-08. Review status: criteria provided, single submitter. Criteria: Invitae Variant Classification Sherloc (09022015). Collection method: clinical testing. Allele origin: germline.
Comment: In summary, the available evidence is currently insufficient to determine the role of this variant in disease. Therefore, it has been classified as a Variant of Uncertain Significance. Algorithms developed to predict the effect of missense changes on protein structure and function output the following: SIFT: "Tolerated"; PolyPhen-2: "Benign"; Align-GVGD: "Class C0". The isoleucine amino acid residue is found in multiple mammalian species, which suggests that this missense change does not adversely affect protein function. This variant has not been reported in the literature in individuals affected with MLH3-related conditions. This variant is not present in population databases (gnomAD no frequency). This sequence change replaces valine, which is neutral and non-polar, with isoleucine, which is neutral and non-polar, at codon 66 of the MLH3 protein (p.Val66Ile).

Ambry Genetics
Classification: Uncertain significance. Last evaluated: 2021-07-23. Review status: criteria provided, single submitter. Criteria: Ambry Variant Classification Scheme 2023. Collection method: clinical testing. Allele origin: germline.
Comment: The p.V66I variant (also known as c.196G>A), located in coding exon 1 of the MLH3 gene, results from a G to A substitution at nucleotide position 196. The valine at codon 66 is replaced by isoleucine, an amino acid with highly similar properties. This amino acid position is conserved. In addition, this alteration is predicted to be tolerated by in silico analysis. Since supporting evidence is limited at this time, the clinical significance of this alteration remains unclear.